The following is an entry in ClinVar:

NM_000156.6(GAMT):c.181+10G>C

Genes: GAMT (guanidinoacetate N-methyltransferase; minus strand), LOC130062945 (ATAC-STARR-seq lymphoblastoid silent region 9707; plus strand). Cytogenetic location: 19p13.3.
Variant type: single nucleotide variant.
Coding change: c.181+10G>C on transcript NM_000156.6 (MANE Select); 10 bases into the intron after coding-DNA position 181, G replaced by C.
Molecular consequence: intron variant.
Genome position (GRCh38, 1-based): chr19:1,401,286, C>G on the plus strand (G>C on the coding strand, the complement: GAMT is on the minus strand). VCF-style: chr19-1401286-C-G. GRCh37 (hg19) VCF-style: chr19-1401285-C-G.
Other names: c.181+10G>C (NM_138924.3).
Identifiers: ClinVar variation 514443 (VCV000514443.12), dbSNP rs1555777328, ClinGen allele CA658799099.
Genomic context (GRCh38, chr19:1,401,286, plus strand): 5'-CGGGTCGGGGCAGCCCCGGCCTCAGTTTCCCCTGCGCCCCCGGGGGCGGTGCAGGCCGGG[C>G]GGGGGCTACCTTTGGAGGAGGCGGCGGCGGCCAGCGCGTGCATATAGGGGGTCTCCCAGC-3'

ClinVar aggregate classification (germline): Likely benign. Review status: criteria provided, multiple submitters, no conflicts (2 of 4 stars). 2 submissions from 2 submitters: Likely benign (2). Last evaluated 2024-01-10.

Conditions:
Cerebral creatine deficiency syndrome. Also called: Creatine deficiency syndromes. Identifiers: Orphanet 79172, MedGen C5244016, MONDO:0000456.

gnomAD v4.1: 1 of 1,481,980 alleles (0.000067%); highest among the groups gnomAD compares: Non-Finnish European, 0.000089%; no homozygotes.

Submissions (2):

Labcorp Genetics (formerly Invitae), Labcorp
Classification: Likely benign for Cerebral creatine deficiency syndrome. Last evaluated: 2024-01-10. Review status: criteria provided, single submitter. Criteria: Invitae Variant Classification Sherloc (09022015). Collection method: clinical testing. Allele origin: germline.

GeneDx
Classification: Likely benign. Last evaluated: 2018-01-10. Review status: criteria provided, single submitter. Criteria: GeneDx Variant Classification (06012015). Collection method: clinical testing. Allele origin: germline. Affected: yes.
Comment: This variant is considered likely benign or benign based on one or more of the following criteria: it is a conservative change, it occurs at a poorly conserved position in the protein, it is predicted to be benign by multiple in silico algorithms, and/or has population frequency not consistent with disease.